The following is an entry in ClinVar:

ClinVar aggregate classification (germline): Uncertain significance. Review status: criteria provided, multiple submitters, no conflicts (2 of 4 stars). 2 submissions from 2 submitters: Uncertain significance (2). Last evaluated 2024-08-05.

Conditions:
Hereditary cancer-predisposing syndrome. Also called: Neoplastic Syndromes, Hereditary; Hereditary neoplastic syndrome; Tumor predisposition; Hereditary Cancer Syndrome. Identifiers: Orphanet 140162, MedGen C0027672, MeSH D009386, MONDO:0015356.
Bloom syndrome (BLM). Also called: Bloom-Torre-Machacek syndrome. Identifiers: Orphanet 125, MedGen C0005859, MONDO:0008876, OMIM 210900.

Submissions (2):

Ambry Genetics
Classification: Uncertain significance for Hereditary cancer-predisposing syndrome. Last evaluated: 2024-08-05. Review status: criteria provided, single submitter. Criteria: Ambry Variant Classification Scheme 2023. Collection method: clinical testing. Allele origin: germline.
Comment: The p.H374D variant (also known as c.1120C>G), located in coding exon 5 of the BLM gene, results from a C to G substitution at nucleotide position 1120. The histidine at codon 374 is replaced by aspartic acid, an amino acid with similar properties. This amino acid position is conserved. In addition, this alteration is predicted to be tolerated by in silico analysis. Based on the available evidence, the clinical significance of this variant remains unclear.

Labcorp Genetics (formerly Invitae), Labcorp
Classification: Uncertain significance for Bloom syndrome. Last evaluated: 2020-12-04. Review status: criteria provided, single submitter. Criteria: Invitae Variant Classification Sherloc (09022015). Collection method: clinical testing. Allele origin: germline.
Comment: In summary, the available evidence is currently insufficient to determine the role of this variant in disease. Therefore, it has been classified as a Variant of Uncertain Significance. Algorithms developed to predict the effect of missense changes on protein structure and function (SIFT, PolyPhen-2, Align-GVGD) all suggest that this variant is likely to be tolerated, but these predictions have not been confirmed by published functional studies and their clinical significance is uncertain. This variant has not been reported in the literature in individuals with BLM-related conditions. This variant is not present in population databases (ExAC no frequency). This sequence change replaces histidine with aspartic acid at codon 374 of the BLM protein (p.His374Asp). The histidine residue is weakly conserved and there is a moderate physicochemical difference between histidine and aspartic acid.

NM_000057.4(BLM):c.1120C>G (p.His374Asp)

Gene: BLM (BLM RecQ like helicase; plus strand). Cytogenetic location: 15q26.1.
Variant type: single nucleotide variant.
Coding change: c.1120C>G on transcript NM_000057.4 (MANE Select); coding-DNA position 1120, C replaced by G.
Protein change: p.His374Asp; replaces histidine 374 with aspartic acid.
Molecular consequence: missense variant. On other transcripts: 5 prime UTR variant (1).
Genome position (GRCh38, 1-based): chr15:90,760,179, C>G. VCF-style: chr15-90760179-C-G. GRCh37 (hg19) VCF-style: chr15-91303409-C-G.
Other names: c.1120C>G, p.His374Asp (NM_001287246.2, NM_001287247.2); c.-6C>G (NM_001287248.2); c.1120C>G (NM_000057.2); short protein forms H374D.
Identifiers: ClinVar variation 1395070 (VCV001395070.9), dbSNP rs2151157246, ClinGen allele CA393842350.